The following is an entry in ClinVar:

ClinVar aggregate classification (germline): Uncertain significance (1 of 4 stars; one submission).

Submission:

Institute for Clinical Genetics, University Hospital TU Dresden, University Hospital TU Dresden
Classification: Uncertain significance. Last evaluated: 2022-02-21. Review status: criteria provided, single submitter. Criteria: ACMG Guidelines, 2015. Collection method: clinical testing. Allele origin: maternal.
Comment: PP3, PM2_SUP

NM_001127222.2(CACNA1A):c.784G>A (p.Asp262Asn)

Gene: CACNA1A (calcium voltage-gated channel subunit alpha1 A; minus strand). Cytogenetic location: 19p13.13.
Variant type: single nucleotide variant.
Coding change: c.784G>A on transcript NM_001127222.2 (MANE Select); coding-DNA position 784, G replaced by A.
Protein change: p.Asp262Asn; replaces aspartic acid 262 with asparagine.
Molecular consequence: missense variant.
Genome position (GRCh38, 1-based): chr19:13,365,317, C>T on the plus strand (G>A on the coding strand, the complement: CACNA1A is on the minus strand). VCF-style: chr19-13365317-C-T. GRCh37 (hg19) VCF-style: chr19-13476131-C-T.
Other names: c.784G>A, p.Asp262Asn (NM_000068.4, NM_001127221.2, NM_001174080.2 and 1 more transcripts); short protein forms D262N.
Identifiers: ClinVar variation 2575949 (VCV002575949.1), dbSNP rs2513175232, ClinGen allele CA404348176.
Genomic context (GRCh38, chr19:13,365,317, plus strand): 5'-CCCAAGAGCTTGTCCCTGAAGGAGAAAACTGGAAAGATGCATCATGCTCCGTGGACCTAC[C>T]TGTCCCCTCTTCAAAGCAGGTGGTATGAAATTTTCCCATATAAAATTCTAACCCTATGAT-3'
Protein context (NP_001120694.1, residues 252-272): FHTTCFEEGT[Asp262Asn]DIQGESPAPC